The following is an entry in ClinVar:

ClinVar aggregate classification (germline): Uncertain significance (1 of 4 stars; one submission).

Conditions:
Nemaline myopathy 8 (NEM8). Also called: Nemaline myopathy 8, autosomal recessive. Identifiers: Orphanet 171430, MedGen C3809209, MONDO:0014138, OMIM 615348.

Allele frequency attached by ClinVar (database versions not stated): gnomAD 0.00001; ExAC 0.00002; gnomAD exomes 0.00002 and 0.00003.
gnomAD v4.1: 39 of 1,605,870 alleles (0.0024%); highest among the groups gnomAD compares: Non-Finnish European, 0.0031%; no homozygotes.

Submission:

Labcorp Genetics (formerly Invitae), Labcorp
Classification: Uncertain significance for Nemaline myopathy 8. Last evaluated: 2023-08-04. Review status: criteria provided, single submitter. Criteria: Invitae Variant Classification Sherloc (09022015). Collection method: clinical testing. Allele origin: germline.
Comment: ClinVar contains an entry for this variant (Variation ID: 966982). This variant has not been reported in the literature in individuals affected with KLHL40-related conditions. This variant is present in population databases (rs758550223, gnomAD 0.005%). This sequence change replaces proline, which is neutral and non-polar, with serine, which is neutral and polar, at codon 539 of the KLHL40 protein (p.Pro539Ser). Advanced modeling of protein sequence and biophysical properties (such as structural, functional, and spatial information, amino acid conservation, physicochemical variation, residue mobility, and thermodynamic stability) performed at Invitae indicates that this missense variant is not expected to disrupt KLHL40 protein function. In summary, the available evidence is currently insufficient to determine the role of this variant in disease. Therefore, it has been classified as a Variant of Uncertain Significance.

NM_152393.4(KLHL40):c.1615C>T (p.Pro539Ser)

Gene: KLHL40 (kelch like family member 40; plus strand). Cytogenetic location: 3p22.1.
Variant type: single nucleotide variant.
Coding change: c.1615C>T on transcript NM_152393.4 (MANE Select); coding-DNA position 1615, C replaced by T.
Protein change: p.Pro539Ser; replaces proline 539 with serine.
Molecular consequence: missense variant.
Genome position (GRCh38, 1-based): chr3:42,690,866, C>T. VCF-style: chr3-42690866-C-T. GRCh37 (hg19) VCF-style: chr3-42732358-C-T.
Other names: short protein forms P539S.
Identifiers: ClinVar variation 966982 (VCV000966982.4), dbSNP rs758550223, ClinGen allele CA2337036.